The following is an entry in ClinVar:

NM_005629.4(SLC6A8):c.1809C>G (p.His603Gln)

Gene: SLC6A8 (solute carrier family 6 member 8; plus strand). Cytogenetic location: Xq28.
Variant type: single nucleotide variant.
Coding change: c.1809C>G on transcript NM_005629.4 (MANE Select); coding-DNA position 1809, C replaced by G.
Protein change: p.His603Gln; replaces histidine 603 with glutamine.
Molecular consequence: missense variant.
Genome position (GRCh38, 1-based): chrX:153,695,115, C>G. VCF-style: chrX-153695115-C-G. GRCh37 (hg19) VCF-style: chrX-152960570-C-G.
Other names: c.1779C>G, p.His593Gln (NM_001142805.2); c.1464C>G, p.His488Gln (NM_001142806.1); short protein forms H488Q, H603Q, H593Q.
Identifiers: ClinVar variation 2777814 (VCV002777814.3), dbSNP rs1557045832, ClinGen allele CA415091133.

ClinVar aggregate classification (germline): Uncertain significance (1 of 4 stars; one submission).

Conditions:
Creatine transporter deficiency (CCDS1). Also called: Creatine Transporter (CRTR) Deficiency; Mental retardation , X-linked with seizures, short stature and midface hypoplasia; Mental retardation , X-linked, with creatine transport deficiency; X-linked creatine transporter deficiency; X-linked creatine deficiency syndrome; SLC6A8-Related Creatine Transporter Deficiency. Identifiers: Orphanet 52503, MedGen C1845862, MONDO:0010305, OMIM 300352.

Submission:

Labcorp Genetics (formerly Invitae), Labcorp
Classification: Uncertain significance for Creatine transporter deficiency. Last evaluated: 2022-11-10. Review status: criteria provided, single submitter. Criteria: Invitae Variant Classification Sherloc (09022015). Collection method: clinical testing. Allele origin: germline.
Comment: This variant has not been reported in the literature in individuals affected with SLC6A8-related conditions. This sequence change replaces histidine, which is basic and polar, with glutamine, which is neutral and polar, at codon 603 of the SLC6A8 protein (p.His603Gln). This variant is not present in population databases (gnomAD no frequency). Advanced modeling of protein sequence and biophysical properties (such as structural, functional, and spatial information, amino acid conservation, physicochemical variation, residue mobility, and thermodynamic stability) performed at Invitae indicates that this missense variant is not expected to disrupt SLC6A8 protein function. In summary, the available evidence is currently insufficient to determine the role of this variant in disease. Therefore, it has been classified as a Variant of Uncertain Significance.